The following is an entry in ClinVar:

NM_001042492.3(NF1):c.2455C>T (p.His819Tyr)

Gene: NF1 (neurofibromin 1; plus strand). Cytogenetic location: 17q11.2.
Variant type: single nucleotide variant.
Coding change: c.2455C>T on transcript NM_001042492.3 (MANE Select); coding-DNA position 2455, C replaced by T.
Protein change: p.His819Tyr; replaces histidine 819 with tyrosine.
Molecular consequence: missense variant.
Genome position (GRCh38, 1-based): chr17:31,229,070, C>T. VCF-style: chr17-31229070-C-T. GRCh37 (hg19) VCF-style: chr17-29556088-C-T.
Other names: c.2455C>T, p.His819Tyr (NM_000267.4); short protein forms H819Y.
Identifiers: ClinVar variation 821306 (VCV000821306.4), dbSNP rs1597715162, ClinGen allele CA398983943.

ClinVar aggregate classification (germline): Uncertain significance (1 of 4 stars; one submission).

Conditions:
Hereditary cancer-predisposing syndrome. Also called: Neoplastic Syndromes, Hereditary; Tumor predisposition; Hereditary Cancer Syndrome; Hereditary neoplastic syndrome. Identifiers: Orphanet 140162, MedGen C0027672, MeSH D009386, MONDO:0015356.
Cardiovascular phenotype. Identifiers: MedGen CN230736.

Submission:

Ambry Genetics
Classification: Uncertain significance for Cardiovascular phenotype; Hereditary cancer-predisposing syndrome. Last evaluated: 2018-10-10. Review status: criteria provided, single submitter. Criteria: Ambry Variant Classification Scheme 2023. Collection method: clinical testing. Allele origin: germline.
Comment: The p.H819Y variant (also known as c.2455C>T), located in coding exon 21 of the NF1 gene, results from a C to T substitution at nucleotide position 2455. The histidine at codon 819 is replaced by tyrosine, an amino acid with similar properties. This amino acid position is highly conserved in available vertebrate species. In addition, this alteration is predicted to be tolerated by in silico analysis. Since supporting evidence is limited at this time, the clinical significance of this alteration remains unclear.